The following is an entry in ClinVar:

ClinVar aggregate classification (germline): Pathogenic (1 of 4 stars; one submission).

Conditions:
Primary ciliary dyskinesia. Also called: Ciliary dyskinesia. Identifiers: Orphanet 244, MedGen C0008780, MONDO:0016575, HP:0012265.

Submission:

Labcorp Genetics (formerly Invitae), Labcorp
Classification: Pathogenic for Primary ciliary dyskinesia. Last evaluated: 2019-10-26. Review status: criteria provided, single submitter. Criteria: Invitae Variant Classification Sherloc (09022015). Collection method: clinical testing. Allele origin: germline.
Comment: This variant is not present in population databases (ExAC no frequency). This sequence change creates a premature translational stop signal (p.Asn62*) in the RPGR gene. It is expected to result in an absent or disrupted protein product. This variant has not been reported in the literature in individuals with RPGR-related conditions. For these reasons, this variant has been classified as Pathogenic. Loss-of-function variants in RPGR are known to be pathogenic (PMID: 10932196, 8673101).

Literature cited by the submitters: PubMed 10932196; PubMed 8673101.

NM_001034853.2(RPGR):c.183dup (p.Asn62Ter)

Gene: RPGR (retinitis pigmentosa GTPase regulator; minus strand). Cytogenetic location: Xp11.4.
Variant type: Duplication.
Coding change: c.183dup on transcript NM_001034853.2 (MANE Select); coding-DNA position 183, one base duplicated (T; older notation c.183dupT).
Protein change: p.Asn62Ter; replaces asparagine 62 with a stop codon.
Molecular consequence: nonsense. On other transcripts: non-coding transcript variant (6).
Genome position (GRCh38, 1-based): chrX:38,322,917, A duplicated on the plus strand (T on the coding strand, the reverse complement: RPGR is on the minus strand). VCF-style (leftmost placement, unchanged base first): chrX-38322916-T-TA. GRCh37 (hg19) VCF-style: chrX-38182169-T-TA.
Other names: c.183dup, p.Asn62Ter (NM_000328.3, NM_001367245.1, NM_001367246.1 and 4 more transcripts); c.213dup, p.Asn72Ter (NM_001367248.1); short protein forms N62*, N72*.
Identifiers: ClinVar variation 966689 (VCV000966689.8), dbSNP rs2067976030, ClinGen allele CA1139667478.